The following is an entry in ClinVar:

NM_182961.4(SYNE1):c.21657-53C>A

Gene: SYNE1 (spectrin repeat containing nuclear envelope protein 1; minus strand). Cytogenetic location: 6q25.2.
Variant type: single nucleotide variant.
Coding change: c.21657-53C>A on transcript NM_182961.4 (MANE Select); 53 bases into the intron before coding-DNA position 21657, C replaced by A.
Molecular consequence: intron variant.
Genome position (GRCh38, 1-based): chr6:152,221,099, G>T on the plus strand (C>A on the coding strand, the complement: SYNE1 is on the minus strand). VCF-style: chr6-152221099-G-T. GRCh37 (hg19) VCF-style: chr6-152542234-G-T.
Other names: c.21444-53C>A (NM_033071.5).
Identifiers: ClinVar variation 670202 (VCV000670202.1), dbSNP rs9397492, ClinGen allele CA15435984.
Genomic context (GRCh38, chr6:152,221,099, plus strand): 5'-TATTCCATCTGGAAATAATAACCAACACTCATGAGCAGATTACCACCTCTCACCAAATGT[G>T]GATATGTGCTATTTTATTTTTCATGATCCTGGTTCATGTGAATATAGACATAATCATTTC-3'

ClinVar aggregate classification (germline): Benign (1 of 4 stars; one submission).

Allele frequency attached by ClinVar (database versions not stated): gnomAD 0.31602 and 0.32373; TOPMed 0.32001; gnomAD exomes 0.33372; 1000 Genomes Project 30x 0.38273; 1000 Genomes Project 0.38938.
gnomAD v4.1: 516,242 of 1,550,784 alleles (33%); highest among the groups gnomAD compares: East Asian, 55%; 89,326 homozygotes.

Submission:

GeneDx
Classification: Benign. Last evaluated: 2018-06-18. Review status: criteria provided, single submitter. Criteria: GeneDx Variant Classification (06012015). Collection method: clinical testing. Allele origin: germline. Affected: yes.
Comment: This variant is considered likely benign or benign based on one or more of the following criteria: it is a conservative change, it occurs at a poorly conserved position in the protein, it is predicted to be benign by multiple in silico algorithms, and/or has population frequency not consistent with disease.